The following is an entry in ClinVar:

NM_182961.4(SYNE1):c.3494G>T (p.Arg1165Leu)

Gene: SYNE1 (spectrin repeat containing nuclear envelope protein 1; minus strand). Cytogenetic location: 6q25.2.
Variant type: single nucleotide variant.
Coding change: c.3494G>T on transcript NM_182961.4 (MANE Select); coding-DNA position 3494, G replaced by T.
Protein change: p.Arg1165Leu; replaces arginine 1165 with leucine.
Molecular consequence: missense variant.
Genome position (GRCh38, 1-based): chr6:152,449,543, C>A on the plus strand (G>T on the coding strand, the complement: SYNE1 is on the minus strand). VCF-style: chr6-152449543-C-A. GRCh37 (hg19) VCF-style: chr6-152770678-C-A.
Other names: c.3515G>T, p.Arg1172Leu (NM_033071.5); short protein forms R1165L, R1172L.
Identifiers: ClinVar variation 429975 (VCV000429975.9), dbSNP rs201354687, ClinGen allele CA4058832.

ClinVar aggregate classification (germline): Uncertain significance. Review status: criteria provided, multiple submitters, no conflicts (2 of 4 stars). 2 submissions from 2 submitters: Uncertain significance (2). Last evaluated 2022-10-18.

Conditions:
Emery-Dreifuss muscular dystrophy 4, autosomal dominant (EDMD4). Also called: EMERY-DREIFUSS MUSCULAR DYSTROPHY 4 WITH VARIABLE FEATURES. Identifiers: Orphanet 261, MedGen C2751807, MONDO:0013071, OMIM 612998.
Autosomal recessive ataxia, Beauce type. Also called: SYNE1 Deficiency; Spinocerebellar ataxia, autosomal recessive 8; SYNE1-Related Autosomal Recessive Cerebellar Ataxia; ATAXIA, RECESSIVE, OF BEAUCE. Identifiers: Orphanet 88644, MedGen C1853116, MONDO:0012549, OMIM 610743.

Allele frequency attached by ClinVar (database versions not stated): TOPMed 0.00006; ESP Exome Variant Server 0.00008.
gnomAD v4.1: 69 of 1,613,610 alleles (0.0043%); highest among the groups gnomAD compares: Non-Finnish European, 0.0053%; no homozygotes.

Submissions (2):

Labcorp Genetics (formerly Invitae), Labcorp
Classification: Uncertain significance for Emery-Dreifuss muscular dystrophy 4, autosomal dominant; Autosomal recessive ataxia, Beauce type. Last evaluated: 2022-10-18. Review status: criteria provided, single submitter. Criteria: Invitae Variant Classification Sherloc (09022015). Collection method: clinical testing. Allele origin: germline.
Comment: In summary, the available evidence is currently insufficient to determine the role of this variant in disease. Therefore, it has been classified as a Variant of Uncertain Significance. Algorithms developed to predict the effect of missense changes on protein structure and function output the following: SIFT: "Tolerated"; PolyPhen-2: "Benign"; Align-GVGD: "Class C0". The leucine amino acid residue is found in multiple mammalian species, which suggests that this missense change does not adversely affect protein function. ClinVar contains an entry for this variant (Variation ID: 429975). This variant has not been reported in the literature in individuals affected with SYNE1-related conditions. This variant is present in population databases (rs201354687, gnomAD 0.01%). This sequence change replaces arginine, which is basic and polar, with leucine, which is neutral and non-polar, at codon 1172 of the SYNE1 protein (p.Arg1172Leu).

GeneDx
Classification: Uncertain significance. Last evaluated: 2017-05-15. Review status: criteria provided, single submitter. Criteria: GeneDx Variant Classification (06012015). Collection method: clinical testing. Allele origin: germline. Affected: yes.
Comment: A variant of uncertain significance has been identified in the SYNE1 gene. The R1172L variant has not been published as a pathogenic variant, nor has it been reported as a benign variant to our knowledge. The R1172L variant is observed in 11/66730 (0.02%) alleles from individuals of European background, in the ExAC dataset (Lek et al., 2016; 1000 Genomes Consortium et al., 2015; Exome Variant Server). The R1172L variant is a non-conservative amino acid substitution, which is likely to impact secondary protein structure as these residues differ in polarity, charge, size and/or other properties. However, this substitution occurs at a position that is not conserved, and in silico analysis predicts this variant likely does not alter the protein structure/function. Therefore, based on the currently available information, it is unclear whether this variant is a pathogenic variant or a rare benign variant.